The following is an entry in ClinVar:

NM_006531.5(IFT88):c.1682+2T>C

Gene: IFT88 (intraflagellar transport 88; plus strand). Cytogenetic location: 13q12.11.
Variant type: single nucleotide variant.
Coding change: c.1682+2T>C on transcript NM_006531.5 (MANE Select); the canonical splice donor site of the intron after coding-DNA position 1682, T replaced by C.
Molecular consequence: splice donor variant.
Genome position (GRCh38, 1-based): chr13:20,641,400, T>C. VCF-style: chr13-20641400-T-C. GRCh37 (hg19) VCF-style: chr13-21215539-T-C.
Other names: c.1709+2T>C (NM_001318493.2, NM_175605.5, NM_001353566.2 and 2 more transcripts); c.1682+2T>C (NM_001353568.2, NM_001353572.2); c.1607+2T>C (NM_001353570.2, NM_001353576.2, NM_001353577.2 and 1 more transcripts); c.1580+2T>C (NM_001353571.2, NM_001353578.2); c.1049+2T>C (NM_001353579.2); c.1625+2T>C (NM_001353575.2, NM_001318491.2); c.1538+2T>C (NM_001353573.2); c.1523+2T>C (NM_001353574.2).
Identifiers: ClinVar variation 3680859 (VCV003680859.2).

ClinVar aggregate classification (germline): Uncertain significance (1 of 4 stars; one submission).

Submission:

Labcorp Genetics (formerly Invitae), Labcorp
Classification: Uncertain significance. Last evaluated: 2024-06-04. Review status: criteria provided, single submitter. Criteria: Invitae Variant Classification Sherloc (09022015). Collection method: clinical testing. Allele origin: germline.
Comment: This sequence change affects a donor splice site in intron 20 of the IFT88 gene. It is expected to disrupt RNA splicing. Variants that disrupt the donor or acceptor splice site typically lead to a loss of protein function (PMID: 16199547), however the current clinical and genetic evidence is not sufficient to establish whether loss-of-function variants in IFT88 cause disease. This variant is not present in population databases (gnomAD no frequency). This variant has not been reported in the literature in individuals affected with IFT88-related conditions. Algorithms developed to predict the effect of sequence changes on RNA splicing suggest that this variant may disrupt the consensus splice site. In summary, the available evidence is currently insufficient to determine the role of this variant in disease. Therefore, it has been classified as a Variant of Uncertain Significance.

Literature cited by the submitters: PubMed 16199547.